The following is an entry in ClinVar:

NM_003705.5(SLC25A12):c.1489A>G (p.Ile497Val)

Gene: SLC25A12 (solute carrier family 25 member 12; minus strand). Cytogenetic location: 2q31.1.
Variant type: single nucleotide variant.
Coding change: c.1489A>G on transcript NM_003705.5 (MANE Select); coding-DNA position 1489, A replaced by G.
Protein change: p.Ile497Val; replaces isoleucine 497 with valine.
Molecular consequence: missense variant. On other transcripts: non-coding transcript variant (1).
Genome position (GRCh38, 1-based): chr2:171,791,547, T>C on the plus strand (A>G on the coding strand, the complement: SLC25A12 is on the minus strand). VCF-style: chr2-171791547-T-C. GRCh37 (hg19) VCF-style: chr2-172648057-T-C.
Other names: c.1489A>G (NM_003705.3); short protein forms I497V.
Identifiers: ClinVar variation 2153651 (VCV002153651.2), dbSNP rs753701440, ClinGen allele CA1966096.

ClinVar aggregate classification (germline): Uncertain significance. Review status: criteria provided, multiple submitters, no conflicts (2 of 4 stars). 2 submissions from 2 submitters: Uncertain significance (2). Last evaluated 2025-08-28.

Conditions:
Inborn genetic diseases. Identifiers: MedGen C0950123, MeSH D030342.

Allele frequency attached by ClinVar (database versions not stated): ExAC 0.00002; TOPMed 0.00002; gnomAD 0.00001.
gnomAD v4.1: 27 of 1,613,702 alleles (0.0017%); highest among the groups gnomAD compares: East Asian, 0.033%; no homozygotes.

Submissions (2):

Ambry Genetics
Classification: Uncertain significance for Inborn genetic diseases. Last evaluated: 2025-08-28. Review status: criteria provided, single submitter. Criteria: Ambry Variant Classification Scheme 2023. Collection method: clinical testing. Allele origin: germline.

Labcorp Genetics (formerly Invitae), Labcorp
Classification: Uncertain significance. Last evaluated: 2022-04-07. Review status: criteria provided, single submitter. Criteria: Invitae Variant Classification Sherloc (09022015). Collection method: clinical testing. Allele origin: germline.
Comment: This sequence change replaces isoleucine, which is neutral and non-polar, with valine, which is neutral and non-polar, at codon 497 of the SLC25A12 protein (p.Ile497Val). This variant is present in population databases (rs753701440, gnomAD 0.06%). This variant has not been reported in the literature in individuals affected with SLC25A12-related conditions. Algorithms developed to predict the effect of missense changes on protein structure and function (SIFT, PolyPhen-2, Align-GVGD) all suggest that this variant is likely to be tolerated. In summary, the available evidence is currently insufficient to determine the role of this variant in disease. Therefore, it has been classified as a Variant of Uncertain Significance.